The following is an entry in ClinVar:

NM_018406.7(MUC4):c.384C>A (p.Thr128=)

Gene: MUC4 (mucin 4, cell surface associated). Cytogenetic location: 3q29.
Variant type: single nucleotide variant.
Coding change: c.384C>A on transcript NM_018406.7 (MANE Select); coding-DNA position 384, C replaced by A.
Protein change: p.Thr128=; no amino-acid change (threonine 128 retained).
Molecular consequence: synonymous variant. On other transcripts: genic upstream transcript variant (2).
Genome position (GRCh38, 1-based): chr3:195,791,196, G>T on the plus strand (C>A on the coding strand, the complement: MUC4 is on the minus strand). VCF-style: chr3-195791196-G-T. GRCh37 (hg19) VCF-style: chr3-195518067-G-T.
Other names: c.399C>A, p.Thr133= (NM_001322468.1); c.83-16891C>A (NM_138297.5); c.83-12741C>A (NM_004532.6).
Identifiers: ClinVar variation 2654494 (VCV002654494.24), dbSNP rs373656913, ClinGen allele CA2775504.

ClinVar aggregate classification (germline): Likely benign (1 of 4 stars; one submission).

Allele frequency attached by ClinVar (database versions not stated): ExAC 0.00005; gnomAD 0.00007; ESP Exome Variant Server 0.00008.
gnomAD v4.1: 186 of 1,613,262 alleles (0.012%); highest among the groups gnomAD compares: Non-Finnish European, 0.015%; no homozygotes.

Submission:

CeGaT Center for Human Genetics Tuebingen
Classification: Likely benign. Last evaluated: 2022-08-01. Review status: criteria provided, single submitter. Criteria: CeGaT Center For Human Genetics Tuebingen Variant Classification Criteria Version 2. Collection method: clinical testing. Allele origin: germline. Affected: yes. Observed: 1 variant allele.
Comment: MUC4: BP4, BP7